The following is an entry in ClinVar:

NM_002691.4(POLD1):c.991C>T (p.Arg331Trp)

Gene: POLD1 (DNA polymerase delta 1, catalytic subunit; plus strand). Cytogenetic location: 19q13.33.
Variant type: single nucleotide variant.
Coding change: c.991C>T on transcript NM_002691.4 (MANE Select); coding-DNA position 991, C replaced by T.
Protein change: p.Arg331Trp; replaces arginine 331 with tryptophan.
Molecular consequence: missense variant. On other transcripts: non-coding transcript variant (1).
Genome position (GRCh38, 1-based): chr19:50,403,073, C>T. VCF-style: chr19-50403073-C-T. GRCh37 (hg19) VCF-style: chr19-50906330-C-T.
Other names: c.991C>T, p.Arg331Trp (NM_001256849.1, NM_001308632.1); short protein forms R331W.
Identifiers: ClinVar variation 469403 (VCV000469403.18), dbSNP rs370734242, ClinGen allele CA309601305.

ClinVar aggregate classification (germline): Uncertain significance. Review status: criteria provided, multiple submitters, no conflicts (2 of 4 stars). 6 submissions from 6 submitters: Uncertain significance (6). Last evaluated 2025-11-15.

Conditions:
Hereditary cancer-predisposing syndrome. Also called: Neoplastic Syndromes, Hereditary; Hereditary neoplastic syndrome; Tumor predisposition; Hereditary Cancer Syndrome. Identifiers: Orphanet 140162, MedGen C0027672, MeSH D009386, MONDO:0015356.
POLD1-related polyposis and colorectal cancer syndrome (CRCS10). Also called: Colorectal cancer 10; COLORECTAL CANCER, SUSCEPTIBILITY TO, ON CHROMOSOME 19q; Colorectal cancer, susceptibility to, 10. Identifiers: Orphanet 220460, MedGen C2675481, MONDO:0012953, OMIM 612591.

Allele frequency attached by ClinVar (database versions not stated): gnomAD exomes 0.00001; gnomAD 0.00002; TOPMed 0.00002; ESP Exome Variant Server 0.00008; 1000 Genomes Project 30x 0.00016.
gnomAD v4.1: 14 of 1,562,002 alleles (0.0009%); highest among the groups gnomAD compares: South Asian, 0.0035%; no homozygotes.

Submissions (6):

Labcorp Genetics (formerly Invitae), Labcorp
Classification: Uncertain significance for POLD1-related polyposis and colorectal cancer syndrome. Last evaluated: 2025-11-15. Review status: criteria provided, single submitter. Criteria: Invitae Variant Classification Sherloc (09022015). Collection method: clinical testing. Allele origin: germline.
Comment: This sequence change replaces arginine, which is basic and polar, with tryptophan, which is neutral and slightly polar, at codon 331 of the POLD1 protein (p.Arg331Trp). This variant is not present in population databases (gnomAD no frequency). This variant has not been reported in the literature in individuals affected with POLD1-related conditions. ClinVar contains an entry for this variant (Variation ID: 469403). Invitae Evidence Modeling of protein sequence and biophysical properties (such as structural, functional, and spatial information, amino acid conservation, physicochemical variation, residue mobility, and thermodynamic stability) indicates that this missense variant is not expected to disrupt POLD1 protein function with a negative predictive value of 80%. In summary, the available evidence is currently insufficient to determine the role of this variant in disease. Therefore, it has been classified as a Variant of Uncertain Significance.

Ambry Genetics
Classification: Uncertain significance for Hereditary cancer-predisposing syndrome. Last evaluated: 2025-05-21. Review status: criteria provided, single submitter. Criteria: Ambry Variant Classification Scheme 2023. Collection method: clinical testing. Allele origin: germline.

Molecular Pathology, Peter Maccallum Cancer Centre
Classification: Uncertain significance for POLD1-related polyposis and colorectal cancer syndrome. Last evaluated: 2024-07-04. Review status: criteria provided, single submitter. Criteria: ACMG Guidelines, 2015. Collection method: clinical testing. Allele origin: germline. Inheritance: Autosomal dominant inheritance.

Blueprint Genetics
Classification: Uncertain significance. Last evaluated: 2023-10-30. Review status: criteria provided, single submitter. Criteria: ACMG Guidelines, 2015. Collection method: clinical testing. Allele origin: germline.

GeneDx
Classification: Uncertain significance. Last evaluated: 2022-03-01. Review status: criteria provided, single submitter. Criteria: GeneDx Variant Classification Process June 2021. Collection method: clinical testing. Allele origin: germline. Affected: yes.
Comment: Not observed at significant frequency in large population cohorts (gnomAD); In silico analysis supports that this missense variant has a deleterious effect on protein structure/function; Has not been previously published as pathogenic or benign to our knowledge; This variant is associated with the following publications: (PMID: 20951805)

Quest Diagnostics Nichols Institute San Juan Capistrano
Classification: Uncertain significance. Last evaluated: 2018-06-07. Review status: criteria provided, single submitter. Criteria: Quest Diagnostics criteria. Collection method: clinical testing. Allele origin: germline.